The following is an entry in ClinVar:

NM_001277062.2(MFF):c.745-42A>T

Gene: MFF (mitochondrial fission factor; plus strand). Cytogenetic location: 2q36.3.
Variant type: single nucleotide variant.
Coding change: c.745-42A>T on transcript NM_001277062.2 (MANE Select); 42 bases into the intron before coding-DNA position 745, A replaced by T.
Molecular consequence: intron variant.
Genome position (GRCh38, 1-based): chr2:227,356,944, A>T. VCF-style: chr2-227356944-A-T. GRCh37 (hg19) VCF-style: chr2-228221660-A-T.
Other names: c.898-42A>T (NM_001277061.2, NM_020194.5); c.601-42A>T (NM_001277063.2); c.586-42A>T (NM_001277064.2); c.526-42A>T (NM_001277065.2, NM_001277066.2); c.535-42A>T (NM_001277067.1); c.628-42A>T (NM_001277068.1).
Identifiers: ClinVar variation 678893 (VCV000678893.1), dbSNP rs80167616, ClinGen allele CA2148080.

ClinVar aggregate classification (germline): Likely benign (1 of 4 stars; one submission).

Allele frequency attached by ClinVar (database versions not stated): gnomAD exomes 0.00133; ExAC 0.00150; gnomAD 0.00518 and 0.00550; ESP Exome Variant Server 0.00529; 1000 Genomes Project 0.00539; 1000 Genomes Project 30x 0.00547; TOPMed 0.00607.
gnomAD v4.1: 1,409 of 1,477,214 alleles (0.095%); highest among the groups gnomAD compares: African/African-American, 1.8%; 13 homozygotes.

Submission:

GeneDx
Classification: Likely benign. Last evaluated: 2018-06-19. Review status: criteria provided, single submitter. Criteria: GeneDx Variant Classification (06012015). Collection method: clinical testing. Allele origin: germline. Affected: yes.
Comment: This variant is considered likely benign or benign based on one or more of the following criteria: it is a conservative change, it occurs at a poorly conserved position in the protein, it is predicted to be benign by multiple in silico algorithms, and/or has population frequency not consistent with disease.